The following is an entry in ClinVar:

ClinVar aggregate classification (germline): Uncertain significance. Review status: criteria provided, single submitter (1 of 4 stars). 2 submissions from 2 submitters: Uncertain significance (1). 1 of the submissions does not count toward it. Last evaluated 2019-02-21.

Conditions:
NLRC4-related disorder. Also called: NLRC4-related condition.
Familial cold autoinflammatory syndrome 4 (FCAS4). Identifiers: Orphanet 47045, Orphanet 576349, MedGen C4015276, MONDO:0014498, OMIM 616115.
Periodic fever-infantile enterocolitis-autoinflammatory syndrome. Also called: Autoinflammation with infantile enterocolitis. Identifiers: Orphanet 436166, MedGen C4015067, MONDO:0014472, OMIM 616050.

Allele frequency attached by ClinVar (database versions not stated): gnomAD 0.00001; gnomAD exomes below 0.00001.
gnomAD v4.1: 2 of 1,614,036 alleles (0.00012%); highest among the groups gnomAD compares: Admixed American, 0.0017%; no homozygotes.

Submissions (2):

Labcorp Genetics (formerly Invitae), Labcorp
Classification: Uncertain significance for Periodic fever-infantile enterocolitis-autoinflammatory syndrome; Familial cold autoinflammatory syndrome 4. Last evaluated: 2019-02-21. Review status: criteria provided, single submitter. Criteria: Invitae Variant Classification Sherloc (09022015). Collection method: clinical testing. Allele origin: germline.
Comment: In summary, the available evidence is currently insufficient to determine the role of this variant in disease. Therefore, it has been classified as a Variant of Uncertain Significance. Algorithms developed to predict the effect of missense changes on protein structure and function (SIFT, PolyPhen-2, Align-GVGD) all suggest that this variant is likely to be tolerated, but these predictions have not been confirmed by published functional studies and their clinical significance is uncertain. This variant has not been reported in the literature in individuals with NLRC4-related conditions. This variant is not present in population databases (ExAC no frequency). This sequence change replaces phenylalanine with tyrosine at codon 435 of the NLRC4 protein (p.Phe435Tyr). The phenylalanine residue is moderately conserved and there is a small physicochemical difference between phenylalanine and tyrosine.

PreventionGenetics, part of Exact Sciences
Classification: Uncertain significance for NLRC4-related condition. Last evaluated: 2023-11-07. Review status: no assertion criteria provided. Collection method: clinical testing. Allele origin: germline. Not counted in ClinVar's aggregate classification.
Comment: The NLRC4 c.1304T>A variant is predicted to result in the amino acid substitution p.Phe435Tyr. To our knowledge, this variant has not been reported in the literature. This variant is reported in 0.0028% of alleles in individuals of Latino descent in gnomAD, and in ClinVar it is classified as a variant of uncertain significance. At this time, the clinical significance of this variant is uncertain due to the absence of conclusive functional and genetic evidence.

NM_001199138.2(NLRC4):c.1304T>A (p.Phe435Tyr)

Gene: NLRC4 (NLR family CARD domain containing 4; minus strand). Cytogenetic location: 2p22.3.
Variant type: single nucleotide variant.
Coding change: c.1304T>A on transcript NM_001199138.2 (MANE Select); coding-DNA position 1304, T replaced by A.
Protein change: p.Phe435Tyr; replaces phenylalanine 435 with tyrosine.
Molecular consequence: missense variant. On other transcripts: intron variant (1).
Genome position (GRCh38, 1-based): chr2:32,250,560, A>T on the plus strand (T>A on the coding strand, the complement: NLRC4 is on the minus strand). VCF-style: chr2-32250560-A-T. GRCh37 (hg19) VCF-style: chr2-32475629-A-T.
Other names: c.1304T>A, p.Phe435Tyr (NM_001199139.2, NM_021209.5); c.262+1859T>A (NM_001302504.1); short protein forms F435Y.
Identifiers: ClinVar variation 841351 (VCV000841351.11), dbSNP rs1290542567, ClinGen allele CA346512764.
Genomic context (GRCh38, chr2:32,250,560, plus strand): 5'-AGTCTTCGTCCTGCTGTGTACTCCTGGAATGACTTGTGAAAGAATTTATACTTTGGCTTG[A>T]ACCTTTGAGCTGTATATTTACAGAGGAGCCCAGTTGTCAGCAGGACATCCTCATTCACGC-3'
Protein context (NP_001186067.1, residues 425-445): GLLCKYTAQR[Phe435Tyr]KPKYKFFHKS